The following is an entry in ClinVar:

ClinVar aggregate classification (germline): Uncertain significance (1 of 4 stars; one submission).

Submission:

Labcorp Genetics (formerly Invitae), Labcorp
Classification: Uncertain significance. Last evaluated: 2022-07-06. Review status: criteria provided, single submitter. Criteria: Invitae Variant Classification Sherloc (09022015). Collection method: clinical testing. Allele origin: germline.
Comment: In summary, the available evidence is currently insufficient to determine the role of this variant in disease. Therefore, it has been classified as a Variant of Uncertain Significance. Algorithms developed to predict the effect of sequence changes on RNA splicing suggest that this variant may create or strengthen a splice site. Algorithms developed to predict the effect of missense changes on protein structure and function (SIFT, PolyPhen-2, Align-GVGD) all suggest that this variant is likely to be tolerated. ClinVar contains an entry for this variant (Variation ID: 1351579). This variant has not been reported in the literature in individuals affected with TIMM8A-related conditions. This variant is not present in population databases (gnomAD no frequency). This sequence change replaces phenylalanine, which is neutral and non-polar, with valine, which is neutral and non-polar, at codon 76 of the TIMM8A protein (p.Phe76Val).

NM_004085.4(TIMM8A):c.226T>G (p.Phe76Val)

Gene: TIMM8A (translocase of inner mitochondrial membrane 8A; minus strand). Cytogenetic location: Xq22.1.
Variant type: single nucleotide variant.
Coding change: c.226T>G on transcript NM_004085.4 (MANE Select); coding-DNA position 226, T replaced by G.
Protein change: p.Phe76Val; replaces phenylalanine 76 with valine.
Molecular consequence: missense variant. On other transcripts: 3 prime UTR variant (1).
Genome position (GRCh38, 1-based): chrX:101,346,567, A>C on the plus strand (T>G on the coding strand, the complement: TIMM8A is on the minus strand). VCF-style: chrX-101346567-A-C. GRCh37 (hg19) VCF-style: chrX-100601555-A-C.
Other names: c.*1820T>G (NM_001145951.2); short protein forms F76V.
Identifiers: ClinVar variation 1351579 (VCV001351579.8), dbSNP rs2147416068, ClinGen allele CA413913107.